The following is an entry in ClinVar:

ClinVar aggregate classification (germline): Pathogenic (1 of 4 stars; one submission).

Conditions:
Cardiovascular phenotype. Identifiers: MedGen CN230736.

Submission:

Molecular Diagnostic Laboratory for Inherited Cardiovascular Disease, Montreal Heart Institute
Classification: Pathogenic for Cardiovascular phenotype. Last evaluated: 2024-11-21. Review status: criteria provided, single submitter. Criteria: ACMG Guidelines, 2015. Collection method: clinical testing. Allele origin: germline. Affected: yes.
Comment: PVS1, PS4_mod, PM2

NM_000238.4(KCNH2):c.2653_2663del (p.Arg885fs)

Gene: KCNH2 (potassium voltage-gated channel subfamily H member 2; minus strand). Cytogenetic location: 7q36.1.
Variant type: Deletion.
Coding change: c.2653_2663del on transcript NM_000238.4 (MANE Select); coding-DNA positions 2653 to 2663, 11 bases deleted (CGCAAGCGCAA).
Protein change: p.Arg885fs; shifts the reading frame from arginine 885.
Molecular consequence: frameshift variant. On other transcripts: non-coding transcript variant (2).
Genome position (GRCh38, 1-based): chr7:150,948,473-150,948,483, TTGCGCTTGCG deleted on the plus strand (CGCAAGCGCAA on the coding strand, the reverse complement: KCNH2 is on the minus strand); deleting any 11 consecutive bases within chr7:150,948,473-150,948,487 gives the same sequence; the c. name uses the placement nearest the transcript's 3' end. VCF-style (leftmost placement, unchanged base first): chr7-150948472-CTTGCGCTTGCG-C. GRCh37 (hg19) VCF-style: chr7-150645560-CTTGCGCTTGCG-C.
Other names: c.2649_2659delGCAACGCAAGC, p.Arg885Valfs (NM_000238.3); c.2365_2375del, p.Arg789fs (NM_001406753.1); c.1633_1643del, p.Arg545fs (NM_172057.3); short protein forms R545fs, R789fs, R885fs.
Identifiers: ClinVar variation 3895051 (VCV003895051.1).